The following is an entry in ClinVar:

ClinVar aggregate classification (germline): Benign (1 of 4 stars; one submission).

Allele frequency attached by ClinVar (database versions not stated): gnomAD exomes 0.39094; ExAC 0.46377.

Submission:

GeneDx
Classification: Benign. Last evaluated: 2018-06-19. Review status: criteria provided, single submitter. Criteria: GeneDx Variant Classification (06012015). Collection method: clinical testing. Allele origin: germline. Affected: yes.
Comment: This variant is considered likely benign or benign based on one or more of the following criteria: it is a conservative change, it occurs at a poorly conserved position in the protein, it is predicted to be benign by multiple in silico algorithms, and/or has population frequency not consistent with disease.

NM_001130823.3(DNMT1):c.1008+26C>T

Gene: DNMT1 (DNA methyltransferase 1; minus strand). Cytogenetic location: 19p13.2.
Variant type: single nucleotide variant.
Coding change: c.1008+26C>T on transcript NM_001130823.3 (MANE Select); 26 bases into the intron after coding-DNA position 1008, C replaced by T.
Molecular consequence: intron variant.
Genome position (GRCh38, 1-based): chr19:10,162,641, G>A on the plus strand (C>T on the coding strand, the complement: DNMT1 is on the minus strand). VCF-style: chr19-10162641-G-A. GRCh37 (hg19) VCF-style: chr19-10273317-G-A.
Other names: c.645+26C>T (NM_001318731.2); c.960+26C>T (NM_001379.4, NM_001318730.2).
Identifiers: ClinVar variation 670476 (VCV000670476.1), dbSNP rs773097551, ClinGen allele CA9188481.